The following is an entry in ClinVar:

NM_000161.3(GCH1):c.541+2T>C

Gene: GCH1 (GTP cyclohydrolase 1; minus strand). Cytogenetic location: 14q22.2.
Variant type: single nucleotide variant.
Coding change: c.541+2T>C on transcript NM_000161.3 (MANE Select); the canonical splice donor site of the intron after coding-DNA position 541, T replaced by C.
Molecular consequence: splice donor variant. On other transcripts: intron variant (1).
Genome position (GRCh38, 1-based): chr14:54,847,097, A>G on the plus strand (T>C on the coding strand, the complement: GCH1 is on the minus strand). VCF-style: chr14-54847097-A-G. GRCh37 (hg19) VCF-style: chr14-55313815-A-G.
Other names: c.510-4043T>C (NM_001424104.1); c.541+2T>C (NM_001024071.2, NM_001024070.2, NM_001024024.2); c.247+2T>C (NM_001424105.1).
Identifiers: ClinVar variation 4538115 (VCV004538115.2).

ClinVar aggregate classification (germline): Pathogenic. Review status: criteria provided, multiple submitters, no conflicts (2 of 4 stars). 2 submissions from 2 submitters: Pathogenic (2). Last evaluated 2026-03-16.

Conditions:
GTP cyclohydrolase I deficiency. Identifiers: MedGen C0268467, MONDO:0100184.

Submissions (2):

Women's Health and Genetics/Laboratory Corporation of America, LabCorp
Classification: Pathogenic for GTP cyclohydrolase I deficiency. Last evaluated: 2026-03-16. Review status: criteria provided, single submitter. Criteria: LabCorp Variant Classification Summary - May 2015. Collection method: clinical testing. Allele origin: germline.
Comment: Variant summary: GCH1 c.541+2T>C is located in a canonical splice-site and is predicted to affect mRNA splicing resulting in a significantly altered protein due to either exon skipping, shortening, or inclusion of intronic material. Variants that disrupt the consensus splice site are a relatively common cause of aberrant splicing and loss of GCH1 function. Several computational tools predict a significant impact on normal splicing: Two predict the variant abolishes a canonical 5' splicing donor site and one predicts the variant has no significant impact on splicing. However, these predictions have yet to be confirmed by functional studies. The variant was absent in 210472 control chromosomes. To our knowledge, no occurrence of c.541+2T>C in individuals affected with GCH1-related conditions and no experimental evidence demonstrating its impact on protein function have been reported. A different splice variant affecting the canonical splice donor site, GCH1 c.541+1G>T, has been interally classified as Pathogenic. ClinVar contains an entry for this variant (Variation ID: 4538115). Based on the evidence outlined above, the variant was classified as pathogenic.

GeneDx
Classification: Pathogenic. Last evaluated: 2025-06-09. Review status: criteria provided, single submitter. Criteria: GeneDx Variant Classification Process June 2021. Collection method: clinical testing. Allele origin: germline. Affected: yes.
Comment: Canonical splice site variant predicted to result in a null allele in a gene for which loss of function is a known mechanism of disease; Not observed at significant frequency in large population cohorts (gnomAD); Has not been previously published as pathogenic or benign to our knowledge; This variant is associated with the following publications: (PMID: 35041927)